The following is an entry in ClinVar:

ClinVar aggregate classification (germline): Uncertain significance (1 of 4 stars; one submission).

Conditions:
Inborn genetic diseases. Identifiers: MedGen C0950123, MeSH D030342.

Submission:

Ambry Genetics
Classification: Uncertain significance for Inborn genetic diseases. Last evaluated: 2017-05-30. Review status: criteria provided, single submitter. Criteria: Ambry Variant Classification Scheme 2023. Collection method: clinical testing. Allele origin: germline.
Comment: The p.G2279V variant (also known as c.6836G>T), located in coding exon 34 of the CHD8 gene, results from a G to T substitution at nucleotide position 6836. The glycine at codon 2279 is replaced by valine, an amino acid with dissimilar properties. This amino acid position is not well conserved in available vertebrate species. In addition, the in silico prediction for this alteration is inconclusive. Since supporting evidence is limited at this time, the clinical significance of this alteration remains unclear.

NM_001170629.2(CHD8):c.6836G>T (p.Gly2279Val)

Genes: CHD8 (chromodomain helicase DNA binding protein 8; minus strand), LOC126861888 (CDK7 strongly-dependent group 2 enhancer GRCh37_chr14:21859227-21860426; plus strand). Cytogenetic location: 14q11.2.
Variant type: single nucleotide variant.
Coding change: c.6836G>T on transcript NM_001170629.2 (MANE Select); coding-DNA position 6836, G replaced by T.
Protein change: p.Gly2279Val; replaces glycine 2279 with valine.
Molecular consequence: missense variant.
Genome position (GRCh38, 1-based): chr14:21,391,882, C>A on the plus strand (G>T on the coding strand, the complement: CHD8 is on the minus strand). VCF-style: chr14-21391882-C-A. GRCh37 (hg19) VCF-style: chr14-21860041-C-A.
Other names: c.5999G>T, p.Gly2000Val (NM_020920.4); short protein forms G2000V, G2279V.
Identifiers: ClinVar variation 589151 (VCV000589151.5), dbSNP rs1566410587, ClinGen allele CA388877497.